The following is an entry in ClinVar:

NM_145239.3(PRRT2):c.221C>T (p.Thr74Ile)

Genes: MVP-DT (MVP divergent transcript; minus strand), PRRT2 (proline rich transmembrane protein 2; plus strand). Cytogenetic location: 16p11.2.
Variant type: single nucleotide variant.
Coding change: c.221C>T on transcript NM_145239.3 (MANE Select); coding-DNA position 221, C replaced by T.
Protein change: p.Thr74Ile; replaces threonine 74 with isoleucine.
Molecular consequence: missense variant.
Genome position (GRCh38, 1-based): chr16:29,813,275, C>T. VCF-style: chr16-29813275-C-T. GRCh37 (hg19) VCF-style: chr16-29824596-C-T.
Other names: c.221C>T, p.Thr74Ile (NM_001256442.2, NM_001256443.2); short protein forms T74I.
Identifiers: ClinVar variation 1307508 (VCV001307508.4), dbSNP rs1394261454, ClinGen allele CA395477737.

ClinVar aggregate classification (germline): Uncertain significance. Review status: criteria provided, multiple submitters, no conflicts (2 of 4 stars). 2 submissions from 2 submitters: Uncertain significance (2). Last evaluated 2023-11-09.

Allele frequency attached by ClinVar (database versions not stated): gnomAD exomes below 0.00001 and 0.00001.

Submissions (2):

Blueprint Genetics
Classification: Uncertain significance. Last evaluated: 2023-11-09. Review status: criteria provided, single submitter. Criteria: ACMG Guidelines, 2015. Collection method: clinical testing. Allele origin: germline.

GeneDx
Classification: Uncertain significance. Last evaluated: 2022-08-14. Review status: criteria provided, single submitter. Criteria: GeneDx Variant Classification Process June 2021. Collection method: clinical testing. Allele origin: germline. Affected: yes.
Comment: Not observed at significant frequency in large population cohorts (gnomAD); In silico analysis supports that this missense variant has a deleterious effect on protein structure/function; Has not been previously published as pathogenic or benign to our knowledge